The following is an entry in ClinVar:

NM_001379200.1(TBX1):c.1374C>G (p.His458Gln)

Gene: TBX1 (T-box transcription factor 1; plus strand). Cytogenetic location: 22q11.21.
Variant type: single nucleotide variant.
Coding change: c.1374C>G on transcript NM_001379200.1 (MANE Select); coding-DNA position 1374, C replaced by G.
Protein change: p.His458Gln; replaces histidine 458 with glutamine.
Molecular consequence: missense variant. On other transcripts: intron variant (2).
Genome position (GRCh38, 1-based): chr22:19,766,726, C>G. VCF-style: chr22-19766726-C-G. GRCh37 (hg19) VCF-style: chr22-19754249-C-G.
Other names: c.1347C>G, p.His449Gln (NM_080647.1); c.1009+724C>G (NM_005992.1, NM_080646.2); short protein forms H449Q, H458Q.
Identifiers: ClinVar variation 1016174 (VCV001016174.13), dbSNP rs747623105, ClinGen allele CA10102728.

ClinVar aggregate classification (germline): Conflicting classifications of pathogenicity. Review status: criteria provided, conflicting classifications (1 of 4 stars). 4 submissions from 4 submitters: Uncertain significance (3); Likely benign (1). Last evaluated 2026-02-01.

Conditions:
Cardiovascular phenotype. Identifiers: MedGen CN230736.
DiGeorge syndrome. Also called: Catch22; THIRD AND FOURTH PHARYNGEAL POUCH SYNDROME. Identifiers: Orphanet 567, MedGen C0012236, MONDO:0008564, OMIM 188400.

Allele frequency attached by ClinVar (database versions not stated): TOPMed 0.00002; ExAC 0.00005; gnomAD exomes 0.00005.
gnomAD v4.1: 72 of 1,541,888 alleles (0.0047%); highest among the groups gnomAD compares: Middle Eastern, 0.094%; no homozygotes.

Submissions (4):

Labcorp Genetics (formerly Invitae), Labcorp
Classification: Uncertain significance for DiGeorge syndrome. Last evaluated: 2026-02-01. Review status: criteria provided, single submitter. Criteria: Invitae Variant Classification Sherloc (09022015). Collection method: clinical testing. Allele origin: germline.
Comment: This sequence change replaces histidine, which is basic and polar, with glutamine, which is neutral and polar, at codon 449 of the TBX1 protein (p.His449Gln). This variant is present in population databases (rs747623105, gnomAD 0.03%). This variant has not been reported in the literature in individuals affected with TBX1-related conditions. ClinVar contains an entry for this variant (Variation ID: 1016174). An algorithm developed to predict the effect of missense changes on protein structure and function (PolyPhen-2) suggests that this variant is likely to be disruptive. In summary, the available evidence is currently insufficient to determine the role of this variant in disease. Therefore, it has been classified as a Variant of Uncertain Significance.

Ambry Genetics
Classification: Uncertain significance for Cardiovascular phenotype. Last evaluated: 2025-04-16. Review status: criteria provided, single submitter. Criteria: Ambry Variant Classification Scheme 2023. Collection method: clinical testing. Allele origin: germline.

GeneDx
Classification: Uncertain significance. Last evaluated: 2024-03-15. Review status: criteria provided, single submitter. Criteria: GeneDx Variant Classification Process June 2021. Collection method: clinical testing. Allele origin: germline. Affected: yes.
Comment: In silico analysis supports that this missense variant does not alter protein structure/function; Has not been previously published as pathogenic or benign to our knowledge

Blueprint Genetics
Classification: Likely benign. Last evaluated: 2022-06-01. Review status: criteria provided, single submitter. Criteria: ACMG Guidelines, 2015. Collection method: clinical testing. Allele origin: germline.